The following is an entry in ClinVar:

ClinVar aggregate classification (germline): Uncertain significance. Review status: criteria provided, multiple submitters, no conflicts (2 of 4 stars). 2 submissions from 2 submitters: Uncertain significance (2). Last evaluated 2024-11-14.

Conditions:
Primary dilated cardiomyopathy (DCM). Also called: Dilated Cardiomyopathy. Identifiers: Orphanet 217604, MedGen C0007193, MeSH D002311, MONDO:0005021, HP:0001644. Inheritance: Various modes of inheritance.

Allele frequency attached by ClinVar (database versions not stated): ExAC 0.00001; gnomAD 0.00001; TOPMed 0.00001; gnomAD exomes 0.00003.
gnomAD v4.1: 38 of 1,612,214 alleles (0.0024%); highest among the groups gnomAD compares: African/African-American, 0.004%; no homozygotes.

Submissions (2):

Ambry Genetics
Classification: Uncertain significance. Last evaluated: 2024-11-14. Review status: criteria provided, single submitter. Criteria: Ambry Variant Classification Scheme 2023. Collection method: clinical testing. Allele origin: germline.

Labcorp Genetics (formerly Invitae), Labcorp
Classification: Uncertain significance for Primary dilated cardiomyopathy. Last evaluated: 2023-07-29. Review status: criteria provided, single submitter. Criteria: Invitae Variant Classification Sherloc (09022015). Collection method: clinical testing. Allele origin: germline.
Comment: This variant is present in population databases (rs776191648, gnomAD 0.006%). This sequence change replaces alanine, which is neutral and non-polar, with valine, which is neutral and non-polar, at codon 873 of the NEBL protein (p.Ala873Val). An algorithm developed to predict the effect of missense changes on protein structure and function (PolyPhen-2) suggests that this variant is likely to be tolerated. In summary, the available evidence is currently insufficient to determine the role of this variant in disease. Therefore, it has been classified as a Variant of Uncertain Significance. Algorithms developed to predict the effect of sequence changes on RNA splicing suggest that this variant may disrupt the consensus splice site. This variant has not been reported in the literature in individuals affected with NEBL-related conditions.

NM_006393.3(NEBL):c.2618C>T (p.Ala873Val)

Gene: NEBL (nebulette; minus strand). Cytogenetic location: 10p12.31.
Variant type: single nucleotide variant.
Coding change: c.2618C>T on transcript NM_006393.3 (MANE Select); coding-DNA position 2618, C replaced by T.
Protein change: p.Ala873Val; replaces alanine 873 with valine.
Molecular consequence: missense variant. On other transcripts: intron variant (9).
Genome position (GRCh38, 1-based): chr10:20,808,653, G>A on the plus strand (C>T on the coding strand, the complement: NEBL is on the minus strand). VCF-style: chr10-20808653-G-A. GRCh37 (hg19) VCF-style: chr10-21097582-G-A.
Other names: c.421+4116C>T (NM_001377326.1, NM_001377327.1, NM_001377328.1); c.529+4116C>T (NM_213569.2, NM_001173484.2); c.622+1153C>T (NM_001377322.1); c.472+4116C>T (NM_001377324.1); c.463+4116C>T (NM_001377325.1); c.481+4116C>T (NM_001377323.1); short protein forms A873V.
Identifiers: ClinVar variation 2708502 (VCV002708502.4), dbSNP rs776191648, ClinGen allele CA5432377.